The following is an entry in ClinVar:

ClinVar aggregate classification (germline): Uncertain significance. Review status: criteria provided, multiple submitters, no conflicts (2 of 4 stars). 2 submissions from 2 submitters: Uncertain significance (2). Last evaluated 2026-02-11.

Allele frequency attached by ClinVar (database versions not stated): TOPMed 0.00001; gnomAD exomes 0.00002 and 0.00004; ExAC 0.00006.
gnomAD v4.1: 29 of 1,609,106 alleles (0.0018%); highest among the groups gnomAD compares: South Asian, 0.012%; no homozygotes.

Submissions (2):

GeneDx
Classification: Uncertain significance. Last evaluated: 2026-02-11. Review status: criteria provided, single submitter. Criteria: GeneDx Variant Classification Process June 2021. Collection method: clinical testing. Allele origin: germline.
Comment: In silico analysis supports that this missense variant has a deleterious effect on protein structure/function; Has not been previously published as pathogenic or benign to our knowledge

Labcorp Genetics (formerly Invitae), Labcorp
Classification: Uncertain significance. Last evaluated: 2023-07-07. Review status: criteria provided, single submitter. Criteria: Invitae Variant Classification Sherloc (09022015). Collection method: clinical testing. Allele origin: germline.
Comment: In summary, the available evidence is currently insufficient to determine the role of this variant in disease. Therefore, it has been classified as a Variant of Uncertain Significance. This sequence change replaces arginine, which is basic and polar, with cysteine, which is neutral and slightly polar, at codon 3153 of the SZT2 protein (p.Arg3153Cys). This variant is present in population databases (rs762786100, gnomAD 0.02%). This variant has not been reported in the literature in individuals affected with SZT2-related conditions. ClinVar contains an entry for this variant (Variation ID: 1005609). Advanced modeling of protein sequence and biophysical properties (such as structural, functional, and spatial information, amino acid conservation, physicochemical variation, residue mobility, and thermodynamic stability) has been performed at Invitae for this missense variant, however the output from this modeling did not meet the statistical confidence thresholds required to predict the impact of this variant on SZT2 protein function.

NM_001365999.1(SZT2):c.9628C>T (p.Arg3210Cys)

Genes: SZT2-AS1 (SZT2 antisense RNA 1; minus strand), SZT2 (SZT2 subunit of KICSTOR complex; plus strand). Cytogenetic location: 1p34.2.
Variant type: single nucleotide variant.
Coding change: c.9628C>T on transcript NM_001365999.1 (MANE Select); coding-DNA position 9628, C replaced by T.
Protein change: p.Arg3210Cys; replaces arginine 3210 with cysteine.
Molecular consequence: missense variant. On other transcripts: non-coding transcript variant (1).
Genome position (GRCh38, 1-based): chr1:43,448,143, C>T. VCF-style: chr1-43448143-C-T. GRCh37 (hg19) VCF-style: chr1-43913814-C-T.
Other names: c.9457C>T, p.Arg3153Cys (NM_015284.4); c.9457C>T (NM_015284.3); short protein forms R3153C, R3210C.
Identifiers: ClinVar variation 1005609 (VCV001005609.8), dbSNP rs762786100, ClinGen allele CA810980.